The following is an entry in ClinVar:

ClinVar aggregate classification (germline): Uncertain significance (1 of 4 stars; one submission).

Allele frequency attached by ClinVar (database versions not stated): gnomAD exomes 0.00002; ExAC 0.00003; gnomAD 0.00004; TOPMed 0.00005; ESP Exome Variant Server 0.00008; 1000 Genomes Project 30x 0.00016; 1000 Genomes Project 0.00020.
gnomAD v4.1: 34 of 1,574,354 alleles (0.0022%); highest among the groups gnomAD compares: African/African-American, 0.012%; no homozygotes.

Submission:

Labcorp Genetics (formerly Invitae), Labcorp
Classification: Uncertain significance. Last evaluated: 2025-12-15. Review status: criteria provided, single submitter. Criteria: Invitae Variant Classification Sherloc (09022015). Collection method: clinical testing. Allele origin: germline.
Comment: This sequence change replaces arginine, which is basic and polar, with glutamine, which is neutral and polar, at codon 168 of the MKL1 protein (p.Arg168Gln). The frequency data for this variant in the population databases is considered unreliable, as metrics indicate poor data quality at this position in the gnomAD database. This variant has not been reported in the literature in individuals affected with MKL1-related conditions. ClinVar contains an entry for this variant (Variation ID: 1896399). An algorithm developed to predict the effect of missense changes on protein structure and function (PolyPhen-2) suggests that this variant is likely to be tolerated. In summary, the available evidence is currently insufficient to determine the role of this variant in disease. Therefore, it has been classified as a Variant of Uncertain Significance.

NM_020831.6(MRTFA):c.803G>A (p.Arg268Gln)

Gene: MRTFA (myocardin related transcription factor A; minus strand). Cytogenetic location: 22q13.1.
Variant type: single nucleotide variant.
Coding change: c.803G>A on transcript NM_020831.6 (MANE Select); coding-DNA position 803, G replaced by A.
Protein change: p.Arg268Gln; replaces arginine 268 with glutamine.
Molecular consequence: missense variant. On other transcripts: intron variant (1).
Genome position (GRCh38, 1-based): chr22:40,423,660, C>T on the plus strand (G>A on the coding strand, the complement: MRTFA is on the minus strand). VCF-style: chr22-40423660-C-T. GRCh37 (hg19) VCF-style: chr22-40819664-C-T.
Other names: c.503G>A, p.Arg168Gln (NM_001282660.2); c.803G>A, p.Arg268Gln (NM_001282662.3); c.608G>A, p.Arg203Gln (NM_001318139.2); c.777+546G>A (NM_001282661.3); short protein forms R168Q, R203Q, R268Q.
Identifiers: ClinVar variation 1896399 (VCV001896399.5), dbSNP rs202202963, ClinGen allele CA10249858.
Genomic context (GRCh38, chr22:40,423,660, plus strand): 5'-AGCAGAGGTGGGGGAGGCAGAGGAGGCTGCTCTGCCAGGAAAAGCATTTCTCTGGAATCC[C>T]GGCCCATCGGAAGTTGAGACACAACCTGAGAGGGAAAAAGGGAAGTGAGGACATGGCCAC-3'
Protein context (NP_065882.2, residues 258-278): TQVVSQLPMG[Arg268Gln]DSREMLFLAE